The following is an entry in ClinVar:

ClinVar aggregate classification (germline): Likely benign (0 of 4 stars; one submission).

Conditions:
SEMA3G-related disorder. Also called: SEMA3G-related condition.

Submission:

PreventionGenetics, part of Exact Sciences
Classification: Likely benign for SEMA3G-related condition. Last evaluated: 2021-12-09. Review status: no assertion criteria provided. Collection method: clinical testing. Allele origin: germline.
Comment: This variant is classified as likely benign based on ACMG/AMP sequence variant interpretation guidelines (Richards et al. 2015 PMID: 25741868, with internal and published modifications).

NM_020163.3(SEMA3G):c.309G>A (p.Glu103=)

Gene: SEMA3G (semaphorin 3G; minus strand). Cytogenetic location: 3p21.1.
Variant type: single nucleotide variant.
Coding change: c.309G>A on transcript NM_020163.3 (MANE Select); coding-DNA position 309, G replaced by A.
Protein change: p.Glu103=; no amino-acid change (glutamic acid 103 retained).
Molecular consequence: synonymous variant.
Genome position (GRCh38, 1-based): chr3:52,442,589, C>T on the plus strand (G>A on the coding strand, the complement: SEMA3G is on the minus strand). VCF-style: chr3-52442589-C-T. GRCh37 (hg19) VCF-style: chr3-52476605-C-T.
Identifiers: ClinVar variation 3355745 (VCV003355745.1).